The following is an entry in ClinVar:

ClinVar aggregate classification (germline): Benign. Review status: criteria provided, multiple submitters, no conflicts (2 of 4 stars). 3 submissions from 3 submitters: Benign (3). Last evaluated 2024-01-24.

Allele frequency attached by ClinVar (database versions not stated): gnomAD 0.34275 and 0.35128; ExAC 0.43007; TOPMed 0.35139; 1000 Genomes Project 30x 0.43520; 1000 Genomes Project 0.43530.
gnomAD v4.1: 256,799 of 718,052 alleles (36%); highest among the groups gnomAD compares: East Asian, 57%; 48,370 homozygotes.

Submissions (3):

Unidad de Genómica Garrahan, Hospital de Pediatría Garrahan
Classification: Benign. Last evaluated: 2024-01-24. Review status: criteria provided, single submitter. Criteria: ACMG Guidelines, 2015. Collection method: clinical testing. Allele origin: germline. Affected: no. Observed: 61 variant alleles.
Comment: This variant is classified as Benign based on local population frequency. This variant was detected in 64% of patients studied by a panel of primary immunodeficiencies. Number of patients: 61. Only high quality variants are reported.

Laboratory for Molecular Medicine, Mass General Brigham Personalized Medicine
Classification: Benign. Last evaluated: 2016-03-28. Review status: criteria provided, single submitter. Criteria: LMM Criteria. Collection method: clinical testing. Allele origin: germline.
Comment: Variant identified in a genome or exome case(s) and assessed due to predicted null impact of the variant or pathogenic assertions in the literature or databases. Disclaimer: This variant has not undergone full assessment. The following are preliminary notes: MAF

Breakthrough Genomics
Classification: Benign. Review status: criteria provided, single submitter. Criteria: ACMG Guidelines, 2015. Collection method: not provided. Allele origin: germline. Inheritance: Autosomal recessive inheritance. Affected: yes.

NM_001289125.3(IFNAR2):c.841-220G>A

Genes: IFNAR2 (interferon alpha and beta receptor subunit 2; plus strand), IFNAR2-IL10RB (IFNAR2-IL10RB readthrough; plus strand), IL10RB (interleukin 10 receptor subunit beta; plus strand). Cytogenetic location: 21q22.11.
Variant type: single nucleotide variant.
Coding change: c.841-220G>A on transcript NM_001289125.3 (MANE Select); 220 bases into the intron before coding-DNA position 841, G replaced by A.
Molecular consequence: intron variant. On other transcripts: missense variant (3).
Genome position (GRCh38, 1-based): chr21:33,262,573, G>A. VCF-style: chr21-33262573-G-A. GRCh37 (hg19) VCF-style: chr21-34634878-G-A.
Other names: c.853G>A, p.Ala285Thr (NM_000874.5, NM_207584.3); c.722G>A, p.Arg241His (NM_001385054.1); c.710-5821G>A (NM_001414505.1); c.710-220G>A (NM_001289128.2, NM_001289126.2); c.841-220G>A (NM_207585.3, NM_001385055.1); short protein forms A285T, R241H.
Identifiers: ClinVar variation 402970 (VCV000402970.8), dbSNP rs1131668, ClinGen allele CA10005813.